The following is an entry in ClinVar:

NM_014712.3(SETD1A):c.2230T>G (p.Ser744Ala)

Gene: SETD1A (SET domain containing 1A, histone lysine methyltransferase; plus strand). Cytogenetic location: 16p11.2.
Variant type: single nucleotide variant.
Coding change: c.2230T>G on transcript NM_014712.3 (MANE Select); coding-DNA position 2230, T replaced by G.
Protein change: p.Ser744Ala; replaces serine 744 with alanine.
Molecular consequence: missense variant.
Genome position (GRCh38, 1-based): chr16:30,966,111, T>G. VCF-style: chr16-30966111-T-G. GRCh37 (hg19) VCF-style: chr16-30977432-T-G.
Other names: short protein forms S744A.
Identifiers: ClinVar variation 931104 (VCV000931104.3), dbSNP rs2056141842, ClinGen allele CA395619782.

ClinVar aggregate classification (germline): Uncertain significance (1 of 4 stars; one submission).

Conditions:
Epilepsy, early-onset, with or without developmental delay. Identifiers: MedGen C5882670, MONDO:0030005, OMIM 618832.

gnomAD v4.1: 1 of 1,598,624 alleles (0.000063%); highest among the groups gnomAD compares: Non-Finnish European, 0.000085%; no homozygotes.

Submission:

Centre for Mendelian Genomics, University Medical Centre Ljubljana
Classification: Uncertain significance for Epilepsy, early-onset, with or without developmental delay. Last evaluated: 2019-07-04. Review status: criteria provided, single submitter. Criteria: ACMG Guidelines, 2015. Collection method: clinical testing. Allele origin: unknown. Affected: yes.
Comment: This variant was classified as: Uncertain significance. The available evidence on this variant's pathogenicity is insufficient or conflicting. The following ACMG criteria were applied in classifying this variant: PM2,BP4.